The following is an entry in ClinVar:

NM_004172.5(SLC1A3):c.687G>T (p.Glu229Asp)

Genes: SLC1A3 (solute carrier family 1 member 3; plus strand), SLC1A3-AS1 (SLC1A3 antisense RNA 1; minus strand). Cytogenetic location: 5p13.2.
Variant type: single nucleotide variant.
Coding change: c.687G>T on transcript NM_004172.5 (MANE Select); coding-DNA position 687, G replaced by T.
Protein change: p.Glu229Asp; replaces glutamic acid 229 with aspartic acid.
Molecular consequence: missense variant. On other transcripts: intron variant (1).
Genome position (GRCh38, 1-based): chr5:36,677,011, G>T. VCF-style: chr5-36677011-G-T. GRCh37 (hg19) VCF-style: chr5-36677113-G-T.
Other names: c.687G>T, p.Glu229Asp (NM_001166695.3); c.549G>T, p.Glu183Asp (NM_001289939.2); c.525-2616G>T (NM_001289940.2); short protein forms E183D, E229D.
Identifiers: ClinVar variation 1933062 (VCV001933062.6), dbSNP rs919672236, ClinGen allele CA117053863.
Genomic context (GRCh38, chr5:36,677,011, plus strand): 5'-TGTGGGTGCTGTGATAAACAATGTGTCTGAGGCCATGGAGACTCTTACCCGAATCACAGA[G>T]GAGCTGGTCCCAGTTCCAGGATCTGTGAATGGAGTCAATGCCCTGGGTCTAGTTGTCTTC-3'
Protein context (NP_004163.3, residues 219-239): EAMETLTRIT[Glu229Asp]ELVPVPGSVN

ClinVar aggregate classification (germline): Uncertain significance. Review status: criteria provided, multiple submitters, no conflicts (2 of 4 stars). 2 submissions from 2 submitters: Uncertain significance (2). Last evaluated 2022-09-07.

Allele frequency attached by ClinVar (database versions not stated): gnomAD 0.00001; TOPMed 0.00001.
gnomAD v4.1: 6 of 1,613,962 alleles (0.00037%); highest among the groups gnomAD compares: Non-Finnish European, 0.00051%; no homozygotes.

Submissions (2):

Labcorp Genetics (formerly Invitae), Labcorp
Classification: Uncertain significance. Last evaluated: 2022-09-07. Review status: criteria provided, single submitter. Criteria: Invitae Variant Classification Sherloc (09022015). Collection method: clinical testing. Allele origin: germline.
Comment: In summary, the available evidence is currently insufficient to determine the role of this variant in disease. Therefore, it has been classified as a Variant of Uncertain Significance. Algorithms developed to predict the effect of missense changes on protein structure and function are either unavailable or do not agree on the potential impact of this missense change (SIFT: "Deleterious"; PolyPhen-2: "Possibly Damaging"; Align-GVGD: "Class C0"). This variant has not been reported in the literature in individuals affected with SLC1A3-related conditions. This variant is not present in population databases (gnomAD no frequency). This sequence change replaces glutamic acid, which is acidic and polar, with aspartic acid, which is acidic and polar, at codon 229 of the SLC1A3 protein (p.Glu229Asp).

Blueprint Genetics
Classification: Uncertain significance. Last evaluated: 2020-12-11. Review status: criteria provided, single submitter. Criteria: ACMG Guidelines, 2015. Collection method: clinical testing. Allele origin: germline.